The following is an entry in ClinVar:

ClinVar aggregate classification (germline): Uncertain significance (1 of 4 stars; one submission).

gnomAD v4.1: 7 of 1,613,830 alleles (0.00043%); highest among the groups gnomAD compares: African/African-American, 0.0013%; no homozygotes.

Submission:

CeGaT Center for Human Genetics Tuebingen
Classification: Uncertain significance. Last evaluated: 2025-04-01. Review status: criteria provided, single submitter. Criteria: CeGaT Center For Human Genetics Tuebingen Variant Classification Criteria Version 2. Collection method: clinical testing. Allele origin: germline. Affected: yes. Observed: 1 variant allele.
Comment: TCF12: PM2

NM_207037.2(TCF12):c.1162A>G (p.Ser388Gly)

Gene: TCF12 (transcription factor 12; plus strand). Cytogenetic location: 15q21.3.
Variant type: single nucleotide variant.
Coding change: c.1162A>G on transcript NM_207037.2 (MANE Select); coding-DNA position 1162, A replaced by G.
Protein change: p.Ser388Gly; replaces serine 388 with glycine.
Molecular consequence: missense variant.
Genome position (GRCh38, 1-based): chr15:57,251,397, A>G. VCF-style: chr15-57251397-A-G. GRCh37 (hg19) VCF-style: chr15-57543595-A-G.
Other names: c.1162A>G, p.Ser388Gly (NM_001322159.3, NM_001322161.2, NM_001322162.2 and 7 more transcripts); c.1198A>G, p.Ser400Gly (NM_001322164.2); c.652A>G, p.Ser218Gly (NM_207040.2, NM_001306219.3); c.988A>G, p.Ser330Gly (NM_001322156.2, NM_001322158.2); c.454A>G, p.Ser152Gly (NM_001306220.3); c.505A>G, p.Ser169Gly (NM_001322154.2); short protein forms S152G, S169G, S218G, S330G, S388G, S400G.
Identifiers: ClinVar variation 3898331 (VCV003898331.7).